The following is an entry in ClinVar:

ClinVar aggregate classification (germline): Likely pathogenic. Review status: reviewed by expert panel (3 of 4 stars). 9 submissions from 9 submitters: Likely pathogenic (1). 8 of the submissions do not count toward it. Last evaluated 2025-12-02.

Conditions:
Hereditary breast ovarian cancer syndrome. Also called: Hereditary breast and ovarian cancer syndrome; BRCA1- and BRCA2-Associated Hereditary Breast and Ovarian Cancer; Breast and ovarian cancer; Hereditary breast and/or ovarian cancer syndrome; Hereditary breast and ovarian cancer; Hereditary breast and ovarian cancer syndrome (HBOC). Identifiers: Orphanet 145, MedGen C0677776, MeSH D061325, MONDO:0003582. Disease mechanism: loss of function.
BRCA2-related cancer predisposition. Identifiers: MedGen CN377758, MONDO:0700269.
Hereditary cancer-predisposing syndrome. Also called: Neoplastic Syndromes, Hereditary; Tumor predisposition; Hereditary Cancer Syndrome; Hereditary neoplastic syndrome. Identifiers: Orphanet 140162, MedGen C0027672, MeSH D009386, MONDO:0015356.
Familial cancer of breast. Also called: BREAST CANCER, FAMILIAL; hereditary breast carcinoma; Hereditary breast cancer. Identifiers: Orphanet 227535, MedGen C0346153, MONDO:0016419, OMIM 114480. Disease mechanism: loss of function.

Submissions (9):

ClinGen ENIGMA BRCA1 and BRCA2 Variant Curation Expert Panel, ClinGen
Classification: Likely pathogenic for BRCA2-related cancer predisposition. Last evaluated: 2025-12-02. Review status: reviewed by expert panel. Criteria: CSpec BRCA12ACMG Rules Specifications V1.1. Collection method: curation. Allele origin: germline. Inheritance: Autosomal dominant inheritance.
Comment: The c.7826G>T variant in BRCA2 is a missense variant predicted to cause substitution of Glycine by Valine at amino acid 2609 (p.(Gly2609Val)). This variant is absent from gnomAD v2.1 (exomes only, non-cancer subset, read depth ≥25) and gnomAD v3.1 (non-cancer subset, read depth ≥25) (PM2_Supporting met). Reported by four calibrated studies to exhibit protein function similar to pathogenic control variants (PMIDs:38417439, 35190686, 39779857, 39779848) (PS3 met). This BRCA2 missense variant is within a key functional domain and the computational predictor BayesDel (noAF) gives a score of 0.32, above the recommended threshold of 0.30 for prediction of impact on BRCA2 function via protein change. A SpliceAI score of 0.01 predicts no impact on splicing (score threshold <0.10) (PP3 met). Multifactorial likelihood ratio analysis using clinically calibrated data produced a combined LR for this variant of 6.11 (based on Co-occurrence LR=1.03; Family History LR=5.96), within the thresholds for moderate evidence towards pathogenicity (LR >4.3 & ≤18.7) (PP4_Moderate met; PMID: 31853058, Internal lab contributor). In summary, this variant meets the criteria to be classified as a Likely pathogenic variant for BRCA2-related cancer predisposition based on the ACMG/AMP criteria applied as specified by the ENIGMA BRCA1/2 VCEP (PM2_Supporting, PS3, PP3, PP4_Moderate).

Labcorp Genetics (formerly Invitae), Labcorp
Classification: Pathogenic for Hereditary breast ovarian cancer syndrome. Last evaluated: 2026-01-06. Review status: criteria provided, single submitter. Criteria: Invitae Variant Classification Sherloc (09022015). Collection method: clinical testing. Allele origin: germline. Not counted in ClinVar's aggregate classification.
Comment: This sequence change replaces glycine, which is neutral and non-polar, with valine, which is neutral and non-polar, at codon 2609 of the BRCA2 protein (p.Gly2609Val). This variant is not present in population databases (gnomAD no frequency). This variant has not been reported in the literature in individuals affected with BRCA2-related conditions. ClinVar contains an entry for this variant (Variation ID: 232537). Invitae Evidence Modeling incorporating data from in vitro experimental studies (PMID: 33609447) indicates that this missense variant is expected to disrupt BRCA2 function with a positive predictive value of 95%. Experimental studies have shown that this missense change affects BRCA2 function (PMID: 29394989, 29884841). This variant disrupts the p.Gly2609 amino acid residue in BRCA2. Other variant(s) that disrupt this residue have been determined to be pathogenic (PMID: 21990134, 23108138, 29394989, 29884841, 29988080). This suggests that this residue is clinically significant, and that variants that disrupt this residue are likely to be disease-causing. For these reasons, this variant has been classified as Pathogenic.

Ambry Genetics
Classification: Likely pathogenic for Hereditary cancer-predisposing syndrome. Last evaluated: 2025-10-15. Review status: criteria provided, single submitter. Criteria: Ambry Variant Classification Scheme 2023. Collection method: clinical testing. Allele origin: germline. Not counted in ClinVar's aggregate classification.
Comment: The p.G2609V variant (also known as c.7826G>T), located in coding exon 16 of the BRCA2 gene, results from a G to T substitution at nucleotide position 7826. The glycine at codon 2609 is replaced by valine, an amino acid with dissimilar properties. This alteration has demonstrated defective homology-directed repair (Guidugli L et al. Hum. Mutat. 2014 Feb;35:151-64; Guidugli L et al. Am. J. Hum. Genet. 2018 02;102(2):233-248; Hart SN et al. Genet. Med. 2019 01;21(1):71-80). Two saturation genome editing-based studies, including a haploid cell-survival assay and a humanized mouse embryonic stem cell line assay of drug response and survival, demonstrate that this nucleotide substitution is non-functional(Huang H et al. Nature. 2025 Feb;638(8050):528-537; Sahu S et al. Nature. 2025 Feb;638(8050):538-545). This alteration is also predicted to strongly destabilize the local structure and disrupt the protein binding ability of BRCA2 (Yang H et al. Science 2002 Sep;297:1837-48; Marston NJ et al. Mol. Cell. Biol. 1999 Jul;19:4633-42; Ambry internal data). This variant is considered to be rare based on population cohorts in the Genome Aggregation Database (gnomAD). This amino acid position is highly conserved in available vertebrate species. In addition, this alteration is predicted to be deleterious by in silico analysis. Based on the majority of available evidence to date, this variant is likely to be pathogenic.

Women's Health and Genetics/Laboratory Corporation of America, LabCorp
Classification: Likely pathogenic for Hereditary breast ovarian cancer syndrome. Last evaluated: 2025-07-28. Review status: criteria provided, single submitter. Criteria: LabCorp Variant Classification Summary - May 2015. Collection method: clinical testing. Allele origin: germline. Not counted in ClinVar's aggregate classification.
Comment: Variant summary: BRCA2 c.7826G>T (p.Gly2609Val) results in a non-conservative amino acid change in the encoded protein sequence. Algorithms developed to predict the effect of missense changes on protein structure and function all suggest that this variant is likely to be disruptive. The variant was absent in 251178 control chromosomes. To our knowledge, no occurrence of c.7826G>T in individuals affected with Hereditary Breast And Ovarian Cancer Syndrome has been reported. At least two publications report experimental evidence evaluating an impact on protein function. The most pronounced variant effect results in compromised BRCA2 function by two HDR assays (Guidugli_2018, Hu_2022). Additionally, at least one variant at the Gly2609 residue has been reported as Likely Pathogenic in ClinVar (p.Gly2609Asp), suggesting that this codon is functionally important. The following publications have been ascertained in the context of this evaluation (PMID: 29394989, 35736817). ClinVar contains an entry for this variant (Variation ID: 232537). Based on the evidence outlined above, the variant was classified as likely pathogenic.

GeneDx
Classification: Likely pathogenic. Last evaluated: 2024-11-05. Review status: criteria provided, single submitter. Criteria: GeneDx Variant Classification Process June 2021. Collection method: clinical testing. Allele origin: germline. Affected: yes. Not counted in ClinVar's aggregate classification.
Comment: This variant is denoted BRCA2 c.7826G>T at the cDNA level, p.Gly2609Val (G2609V) at the protein level, and results in the change of a Glycine to a Valine (GGT>GTT). Using alternate nomenclature, this variant would be defined as BRCA2 8054G>T. Functional assays interrogating homology directed repair demonstrated a pathogenic effect (Guidugli 2018). BRCA2 Gly2609Val was not observed in large population cohorts (Lek 2016). This variant is located in the DNA binding domain (Yang 2002). In silico analysis, which includes protein predictors and evolutionary conservation, supports that this variant does not alter protein structure/function. Based on currently available evidence, it is unclear whether BRCA2 Gly2609Val is a pathogenic or benign variant. We consider it to be a variant of uncertain significance.

Baylor Genetics
Classification: Likely pathogenic for Familial cancer of breast. Last evaluated: 2024-02-14. Review status: criteria provided, single submitter. Criteria: ACMG Guidelines, 2015. Collection method: clinical testing. Allele origin: unknown. Not counted in ClinVar's aggregate classification.

Mayo Clinic Laboratories, Mayo Clinic
Classification: Likely pathogenic. Last evaluated: 2022-09-09. Review status: criteria provided, single submitter. Criteria: ACMG Guidelines, 2015. Collection method: clinical testing. Allele origin: germline. Observed: 1 variant allele. Not counted in ClinVar's aggregate classification.
Comment: PM2, PS3

Sema4
Classification: Likely pathogenic for Hereditary cancer-predisposing syndrome. Last evaluated: 2021-09-25. Review status: criteria provided, single submitter. Criteria: Sema4 Curation Guidelines. Collection method: curation. Allele origin: germline. Not counted in ClinVar's aggregate classification.
Comment: To the best of our knowledge, the BRCA2 c c.7826G>T (p.Gly2609Val) variant has not been reported in individuals with BRCA2-related disease. This variant is not reported in the population database Genome Aggregation Database (PMID: 32461654). This variant has been reported in ClinVar (Variation ID: 232537). In silico tools suggest the impact of the variant on protein function is deleterious. Functional studies have shown that this variant disrupts homology directed DNA repair activity in BRCA2 deficient V-C8 cells (PMID: 29394989). A different likely pathogenic missense change at this amino acid position, c.7826G>A (p.G2609D), has been reported to disrupt BRCA2 function (PMID: 29988080, 29394989). Based on the current evidence available, this variant is interpreted as likely pathogenic.

Cancer Variant Interpretation Group UK, Institute of Cancer Research, London
Classification: Likely pathogenic for Hereditary Breast and Ovarian Cancer. Last evaluated: 2018-11-23. Review status: criteria provided, single submitter. Criteria: ACMG Guidelines, 2015. Collection method: curation. Allele origin: germline. Not counted in ClinVar's aggregate classification.
Comment: Data used in classification: The frequency of this variant is 0/138,632 individuals (gnomAD) (PM2_mod). This variant is predicted deleterious on AlignGVGD (class: C65), SIFT (Deleterious), Polyphen2 HumVar (probably damaging) and CADD (28.5) (PP3_sup). The variant is in the DNA-binding domain of BRCA2 (PM1_sup). In the VarCall Bayesian statistical model for VUS classification using functional assay data (Guidugli et al Am J Hum Genet 2018; 102:233-248, Couch Lab), the variant has a probability of being deleterious of 0.997 and an overall classification of pathogenic. (PS3_strong). This variant is classified on ClinVar as Likely Pathogenic by accredited diagnostic USA laboratory Ambry Genetics, 2018. (PP5_sup). Data not used in classification: There are no additional reports of this variant in BIC or BRCA2 LOVD.

Literature cited by the submitters: PubMed 33609447 (cited by Labcorp Genetics (formerly Invitae), Labcorp and Mayo Clinic Laboratories, Mayo Clinic); PubMed 29394989 (cited by 6 submitters); PubMed 29884841 (cited by Labcorp Genetics (formerly Invitae), Labcorp and Ambry Genetics); PubMed 21990134 (cited by Labcorp Genetics (formerly Invitae), Labcorp and Ambry Genetics); PubMed 23108138 (cited by Labcorp Genetics (formerly Invitae), Labcorp); PubMed 29988080 (cited by Labcorp Genetics (formerly Invitae), Labcorp and Sema4); PubMed 10373512 (cited by Ambry Genetics); PubMed 12228710 (cited by Ambry Genetics); PubMed 24323938 (cited by Ambry Genetics); PubMed 39779848 (cited by Ambry Genetics); PubMed 39779857 (cited by Ambry Genetics); PubMed 35736817 (cited by Women's Health and Genetics/Laboratory Corporation of America, LabCorp and Mayo Clinic Laboratories, Mayo Clinic); PubMed 30643566 (cited by Mayo Clinic Laboratories, Mayo Clinic).

NM_000059.4(BRCA2):c.7826G>T (p.Gly2609Val)

Gene: BRCA2 (BRCA2 DNA repair associated; plus strand). Cytogenetic location: 13q13.1.
Variant type: single nucleotide variant.
Coding change: c.7826G>T on transcript NM_000059.4 (MANE Select); coding-DNA position 7826, G replaced by T.
Protein change: p.Gly2609Val; replaces glycine 2609 with valine.
Molecular consequence: missense variant.
Genome position (GRCh38, 1-based): chr13:32,362,543, G>T. VCF-style: chr13-32362543-G-T. GRCh37 (hg19) VCF-style: chr13-32936680-G-T.
Other names: p.Gly2609Val; NM_000059.4(BRCA2):c.7826G>T; short protein forms G2609V.
Identifiers: ClinVar variation 232537 (VCV000232537.20), dbSNP rs80359009, ClinGen allele CA10579757.